The following is an entry in ClinVar:

ClinVar aggregate classification (germline): Likely pathogenic (1 of 4 stars; one submission).

Conditions:
Bainbridge-Ropers syndrome. Also called: Severe feeding difficulties-failure to thrive-microcephaly due to ASXL3 deficiency syndrome. Identifiers: Orphanet 352577, MedGen C4750837, MONDO:0014205, OMIM 615485.

Submission:

Greenwood Genetic Center Diagnostic Laboratories, Greenwood Genetic Center
Classification: Likely pathogenic for Bainbridge-Ropers syndrome. Last evaluated: 2024-10-25. Review status: criteria provided, single submitter. Criteria: ACMG Guidelines, 2015. Collection method: clinical testing. Allele origin: germline. Affected: yes.
Comment: PVS1, PM2

NM_030632.3(ASXL3):c.4468_4469del (p.Ser1490fs)

Gene: ASXL3 (ASXL transcriptional regulator 3; plus strand). Cytogenetic location: 18q12.1.
Variant type: Microsatellite.
Coding change: c.4468_4469del on transcript NM_030632.3 (MANE Select); coding-DNA positions 4468 to 4469, 2 bases deleted (TC; older notation c.4468_4469delTC).
Protein change: p.Ser1490fs; shifts the reading frame from serine 1490.
Molecular consequence: frameshift variant.
Genome position (GRCh38, 1-based): chr18:33,744,316-33,744,317, TC deleted; deleting any 2 consecutive bases within chr18:33,744,314-33,744,317 gives the same sequence; the c. name uses the placement nearest the transcript's 3' end. VCF-style (leftmost placement, unchanged base first): chr18-33744313-GTC-G. GRCh37 (hg19) VCF-style: chr18-31324277-GTC-G.
Other names: short protein forms S1490fs.
Identifiers: ClinVar variation 3765727 (VCV003765727.1).